The following is an entry in ClinVar:

NM_004407.4(DMP1):c.4A>T (p.Lys2Ter)

Genes: DMP1 (dentin matrix acidic phosphoprotein 1; plus strand), DMP1-AS1 (DMP1 and DSPP antisense RNA 1; minus strand). Cytogenetic location: 4q22.1.
Variant type: single nucleotide variant.
Coding change: c.4A>T on transcript NM_004407.4 (MANE Select); coding-DNA position 4, A replaced by T.
Protein change: p.Lys2Ter; replaces lysine 2 with a stop codon.
Molecular consequence: nonsense.
Genome position (GRCh38, 1-based): chr4:87,656,496, A>T. VCF-style: chr4-87656496-A-T. GRCh37 (hg19) VCF-style: chr4-88577648-A-T.
Other names: c.4A>T, p.Lys2Ter (NM_001079911.3); short protein forms K2*.
Identifiers: ClinVar variation 1456849 (VCV001456849.6), dbSNP rs1027020354, ClinGen allele CA357697453.

ClinVar aggregate classification (germline): Pathogenic (1 of 4 stars; one submission).

Allele frequency attached by ClinVar (database versions not stated): gnomAD exomes below 0.00001.
gnomAD v4.1: 1 of 1,607,002 alleles (0.000062%); highest among the groups gnomAD compares: Non-Finnish European, 0.000085%; no homozygotes.

Submission:

Labcorp Genetics (formerly Invitae), Labcorp
Classification: Pathogenic. Last evaluated: 2025-06-10. Review status: criteria provided, single submitter. Criteria: Invitae Variant Classification Sherloc (09022015). Collection method: clinical testing. Allele origin: germline.
Comment: This sequence change creates a premature translational stop signal (p.Lys2*) in the DMP1 gene. It is expected to result in an absent or disrupted protein product. Loss-of-function variants in DMP1 are known to be pathogenic (PMID: 16294270, 17033621, 19007919). This variant is not present in population databases (gnomAD no frequency). This variant has not been reported in the literature in individuals affected with DMP1-related conditions. ClinVar contains an entry for this variant (Variation ID: 1456849). Algorithms developed to predict the effect of sequence changes on RNA splicing suggest that this variant may disrupt the consensus splice site. For these reasons, this variant has been classified as Pathogenic.

Literature cited by the submitters: PubMed 16294270; PubMed 17033621; PubMed 19007919.